The following is an entry in ClinVar:

NM_000238.4(KCNH2):c.743T>G (p.Leu248Arg)

Gene: KCNH2 (potassium voltage-gated channel subfamily H member 2; minus strand). Cytogenetic location: 7q36.1.
Variant type: single nucleotide variant.
Coding change: c.743T>G on transcript NM_000238.4 (MANE Select); coding-DNA position 743, T replaced by G.
Protein change: p.Leu248Arg; replaces leucine 248 with arginine.
Molecular consequence: missense variant.
Genome position (GRCh38, 1-based): chr7:150,958,232, A>C on the plus strand (T>G on the coding strand, the complement: KCNH2 is on the minus strand). VCF-style: chr7-150958232-A-C. GRCh37 (hg19) VCF-style: chr7-150655320-A-C.
Other names: c.455T>G, p.Leu152Arg (NM_001406753.1, NM_001406756.1); c.566T>G, p.Leu189Arg (NM_001406755.1); c.443T>G, p.Leu148Arg (NM_001406757.1); c.743T>G, p.Leu248Arg (NM_172056.3); short protein forms L248R, L152R, L148R, L189R.
Identifiers: ClinVar variation 1526102 (VCV001526102.3), dbSNP rs1801446711, ClinGen allele CA369862659.

ClinVar aggregate classification (germline): Uncertain significance (1 of 4 stars; one submission).

Conditions:
Long QT syndrome 2 (LQT2). Identifiers: Orphanet 101016, Orphanet 768, MedGen C3150943, MONDO:0013367, OMIM 613688.

Submission:

3billion
Classification: Uncertain significance for Long QT syndrome 2. Last evaluated: 2022-03-22. Review status: criteria provided, single submitter. Criteria: ACMG Guidelines, 2015. Collection method: clinical testing. Allele origin: germline. Affected: yes. Observed: 1 heterozygote.
Comment: The variant is not observed in the gnomAD v2.1.1 dataset. A missense variant is a common mechanism. Therefore, this variant is classified as uncertain significance according to the recommendation of ACMG/AMP guideline.